The following is an entry in ClinVar:

ClinVar aggregate classification (germline): Pathogenic (1 of 4 stars; one submission).

Conditions:
Hereditary cancer-predisposing syndrome. Also called: Neoplastic Syndromes, Hereditary; Tumor predisposition; Hereditary neoplastic syndrome; Hereditary Cancer Syndrome. Identifiers: Orphanet 140162, MedGen C0027672, MeSH D009386, MONDO:0015356.

Submission:

Ambry Genetics
Classification: Pathogenic for Hereditary cancer-predisposing syndrome. Last evaluated: 2024-01-05. Review status: criteria provided, single submitter. Criteria: Ambry Variant Classification Scheme 2023. Collection method: clinical testing. Allele origin: germline.
Comment: The c.1074_1078delGGAGA pathogenic mutation, located in coding exon 7 of the MEN1 gene, results from a deletion of 5 nucleotides at nucleotide positions 1074 to 1078, causing a translational frameshift with a predicted alternate stop codon (p.E358Dfs*7). This alteration has been observed in at least one individual with a personal and/or family history that is consistent with MEN1-related disease (Ambry internal data). This variant is considered to be rare based on population cohorts in the Genome Aggregation Database (gnomAD). In addition to the clinical data presented in the literature, this alteration is expected to result in loss of function by premature protein truncation or nonsense-mediated mRNA decay. As such, this alteration is interpreted as a disease-causing mutation.

NM_001370259.2(MEN1):c.1074_1078del (p.Glu358fs)

Gene: MEN1 (menin 1; minus strand). Cytogenetic location: 11q13.1.
Variant type: Deletion.
Coding change: c.1074_1078del on transcript NM_001370259.2 (MANE Select); coding-DNA positions 1074 to 1078, 5 bases deleted (GGAGA; older notation c.1074_1078delGGAGA).
Protein change: p.Glu358fs; shifts the reading frame from glutamic acid 358.
Molecular consequence: frameshift variant. On other transcripts: non-coding transcript variant (4).
Genome position (GRCh38, 1-based): chr11:64,805,742-64,805,746, TCTCC deleted on the plus strand (GGAGA on the coding strand, the reverse complement: MEN1 is on the minus strand); deleting any 5 consecutive bases within chr11:64,805,742-64,805,748 gives the same sequence; the c. name uses the placement nearest the transcript's 3' end. VCF-style (leftmost placement, unchanged base first): chr11-64805741-ATCTCC-A. GRCh37 (hg19) VCF-style: chr11-64573213-ATCTCC-A.
Other names: c.1089_1093del, p.Glu363fs (NM_000244.4, NM_001407145.1, NM_130800.3 and 4 more transcripts); c.1200_1204del, p.Glu400fs (NM_001370251.2, NM_001407142.1, NM_001407143.1 and 1 more transcripts); c.1074_1078del, p.Glu358fs (NM_001370260.2, NM_001370261.2, NM_001407146.1 and 3 more transcripts); c.969_973del, p.Glu323fs (NM_001370262.2, NM_001370263.2, NM_001407148.1 and 1 more transcripts); c.1215_1219del, p.Glu405fs (NM_001407150.1); c.1095_1099del, p.Glu365fs (NM_001407151.1); c.1074_1078delGGAGA (NM_130799.2); short protein forms E323fs, E358fs, E363fs, E365fs, E400fs, E405fs.
Identifiers: ClinVar variation 3229047 (VCV003229047.1), dbSNP rs2497160047, ClinGen allele CA2825002031.